The following is an entry in ClinVar:

ClinVar aggregate classification (germline): Pathogenic. Review status: criteria provided, single submitter (1 of 4 stars). 3 submissions from 3 submitters: Pathogenic (1). 2 of the submissions do not count toward it. Last evaluated 2025-10-28.

Conditions:
Intellectual disability, X-linked 102 (MRXSSB). Also called: Intellectual developmental disorder, X-linked syndromic, Snijders Blok type. Identifiers: Orphanet 457260, MedGen C5393299, MONDO:0010497, OMIM 300958.
Cerebellar vermis hypoplasia. Identifiers: MedGen C1840379, HP:0001320.
Isolated cerebellar hypoplasia/agenesis (CHEGDD). Also called: Cerebellar hypoplasia/atrophy, epilepsy, and global developmental delay. Identifiers: Orphanet 1398, Orphanet 2246, MedGen C5231391, MONDO:0008939, OMIM 213000.

Submissions (3):

GeneDx
Classification: Pathogenic. Last evaluated: 2025-10-28. Review status: criteria provided, single submitter. Criteria: GeneDx Variant Classification Process June 2021. Collection method: clinical testing. Allele origin: germline. Affected: yes.
Comment: Not observed at significant frequency in large population cohorts (gnomAD); In silico analysis supports that this missense variant has a deleterious effect on protein structure/function; This variant is associated with the following publications: (PMID: 31474318, 32135084)

Dobyns Lab, Seattle Children's Research Institute
Classification: Pathogenic for Mental retardation, X-linked 102; Cerebellar vermis hypoplasia. Last evaluated: 2019-02-18. Review status: no assertion criteria provided. Collection method: research. Allele origin: germline. Affected: yes. Observed: 1 variant allele. Not counted in ClinVar's aggregate classification.

University of Washington Center for Mendelian Genomics, University of Washington
Classification: Likely pathogenic for Cerebellar hypoplasia. Review status: no assertion criteria provided. Collection method: research. Allele origin: de novo. Affected: yes. Not counted in ClinVar's aggregate classification.

Literature cited by the submitters: PubMed 31474318 (cited by University of Washington Center for Mendelian Genomics, University of Washington).

NM_001356.5(DDX3X):c.1439G>C (p.Arg480Thr)

Gene: DDX3X (DEAD-box helicase 3 X-linked; plus strand). Cytogenetic location: Xp11.4.
Variant type: single nucleotide variant.
Coding change: c.1439G>C on transcript NM_001356.5 (MANE Select); coding-DNA position 1439, G replaced by C.
Protein change: p.Arg480Thr; replaces arginine 480 with threonine.
Molecular consequence: missense variant. On other transcripts: non-coding transcript variant (1).
Genome position (GRCh38, 1-based): chrX:41,346,352, G>C. VCF-style: chrX-41346352-G-C. GRCh37 (hg19) VCF-style: chrX-41205605-G-C.
Other names: c.1439G>C, p.Arg480Thr (NM_001193416.3); c.1391G>C, p.Arg464Thr (NM_001193417.3); c.881G>C, p.Arg294Thr (NM_001363819.1); c.1439G>C (NM_001193416.1); short protein forms R480T, R294T, R464T.
Identifiers: ClinVar variation 632603 (VCV000632603.6), dbSNP rs1569240005, ClinGen allele CA412775457.